The following is an entry in ClinVar:

ClinVar aggregate classification (germline): Uncertain significance. Review status: criteria provided, multiple submitters, no conflicts (2 of 4 stars). 2 submissions from 2 submitters: Uncertain significance (2). Last evaluated 2025-12-21.

Conditions:
Hereditary cancer-predisposing syndrome. Also called: Hereditary neoplastic syndrome; Tumor predisposition; Neoplastic Syndromes, Hereditary; Hereditary Cancer Syndrome. Identifiers: Orphanet 140162, MedGen C0027672, MeSH D009386, MONDO:0015356.
Hereditary diffuse gastric adenocarcinoma (HDGC). Also called: DIFFUSE GASTRIC AND LOBULAR BREAST CANCER SYNDROME. Identifiers: Orphanet 26106, MedGen C1708349, MONDO:0007648, OMIM 137215.

Allele frequency attached by ClinVar (database versions not stated): gnomAD exomes below 0.00001.
gnomAD v4.1: 3 of 1,550,940 alleles (0.00019%); highest among the groups gnomAD compares: Non-Finnish European, 0.00026%; no homozygotes.

Submissions (2):

Labcorp Genetics (formerly Invitae), Labcorp
Classification: Uncertain significance for Hereditary diffuse gastric adenocarcinoma. Last evaluated: 2025-12-21. Review status: criteria provided, single submitter. Criteria: Invitae Variant Classification Sherloc (09022015). Collection method: clinical testing. Allele origin: germline.
Comment: This sequence change replaces arginine, which is basic and polar, with tryptophan, which is neutral and slightly polar, at codon 43 of the CDH1 protein (p.Arg43Trp). This variant is not present in population databases (gnomAD no frequency). This missense change has been observed in individual(s) with breast cancer (PMID: 30613976). ClinVar contains an entry for this variant (Variation ID: 953435). An algorithm developed to predict the effect of missense changes on protein structure and function (PolyPhen-2) suggests that this variant is likely to be disruptive. In summary, the available evidence is currently insufficient to determine the role of this variant in disease. Therefore, it has been classified as a Variant of Uncertain Significance.

Ambry Genetics
Classification: Uncertain significance for Hereditary cancer-predisposing syndrome. Last evaluated: 2025-02-18. Review status: criteria provided, single submitter. Criteria: Ambry Variant Classification Scheme 2023. Collection method: clinical testing. Allele origin: germline.
Comment: The p.R43W variant (also known as c.127C>T), located in coding exon 2 of the CDH1 gene, results from a C to T substitution at nucleotide position 127. The arginine at codon 43 is replaced by tryptophan, an amino acid with dissimilar properties. This amino acid position is well conserved in available vertebrate species. In addition, this alteration is predicted to be tolerated by in silico analysis. Since supporting evidence is limited at this time, the clinical significance of this alteration remains unclear.

Literature cited by the submitters: PubMed 30613976 (cited by Labcorp Genetics (formerly Invitae), Labcorp and Ambry Genetics).

NM_004360.5(CDH1):c.127C>T (p.Arg43Trp)

Gene: CDH1 (cadherin 1; plus strand). Cytogenetic location: 16q22.1.
Variant type: single nucleotide variant.
Coding change: c.127C>T on transcript NM_004360.5 (MANE Select); coding-DNA position 127, C replaced by T.
Protein change: p.Arg43Trp; replaces arginine 43 with tryptophan.
Molecular consequence: missense variant. On other transcripts: 5 prime UTR variant (2).
Genome position (GRCh38, 1-based): chr16:68,738,375, C>T. VCF-style: chr16-68738375-C-T. GRCh37 (hg19) VCF-style: chr16-68772278-C-T.
Other names: c.127C>T, p.Arg43Trp (NM_001317184.2); c.-1489C>T (NM_001317185.2); c.-1693C>T (NM_001317186.2); short protein forms R43W.
Identifiers: ClinVar variation 953435 (VCV000953435.12), dbSNP rs1962460987, ClinGen allele CA396452147.